The following is an entry in ClinVar:

ClinVar aggregate classification (germline): Uncertain significance (1 of 4 stars; one submission).

Conditions:
Arrhythmogenic right ventricular dysplasia 10. Also called: Arrhythmogenic Right Ventricular Dysplasia/Cardiomyopathy10; ARRHYTHMOGENIC RIGHT VENTRICULAR DYSPLASIA, FAMILIAL, 10; Arrhythmogenic right ventricular dysplasia/cardiomyopathy, type 10. Identifiers: MedGen C1857777, MONDO:0012434, OMIM 610193.

Submission:

Labcorp Genetics (formerly Invitae), Labcorp
Classification: Uncertain significance for Arrhythmogenic right ventricular dysplasia 10. Last evaluated: 2025-10-23. Review status: criteria provided, single submitter. Criteria: Invitae Variant Classification Sherloc (09022015). Collection method: clinical testing. Allele origin: germline.
Comment: This sequence change falls in intron 4 of the DSG2 gene. It does not directly change the encoded amino acid sequence of the DSG2 protein. It affects a nucleotide within the consensus splice site. This variant is not present in population databases (gnomAD no frequency). This variant has not been reported in the literature in individuals affected with DSG2-related conditions. Variants that disrupt the consensus splice site are a relatively common cause of aberrant splicing (PMID: 17576681, 9536098). Algorithms developed to predict the effect of sequence changes on RNA splicing suggest that this variant is not likely to affect RNA splicing. In summary, the available evidence is currently insufficient to determine the role of this variant in disease. Therefore, it has been classified as a Variant of Uncertain Significance.

Literature cited by the submitters: PubMed 17576681; PubMed 9536098.

NM_001943.5(DSG2):c.378+3A>G

Gene: DSG2 (desmoglein 2; plus strand). Cytogenetic location: 18q12.1.
Variant type: single nucleotide variant.
Coding change: c.378+3A>G on transcript NM_001943.5 (MANE Select); 3 bases into the intron after coding-DNA position 378, A replaced by G.
Molecular consequence: intron variant.
Genome position (GRCh38, 1-based): chr18:31,520,967, A>G. VCF-style: chr18-31520967-A-G. GRCh37 (hg19) VCF-style: chr18-29100930-A-G.
Identifiers: ClinVar variation 4770299 (VCV004770299.1).